The following is an entry in ClinVar:

ClinVar aggregate classification (germline): Uncertain significance. Review status: reviewed by expert panel (3 of 4 stars). 3 submissions from 3 submitters: Uncertain significance (1). 2 of the submissions do not count toward it. Last evaluated 2025-01-15.

Conditions:
Hereditary thrombocytopenia and hematologic cancer predisposition syndrome. Identifiers: Orphanet 71290, MedGen CN281654, MONDO:0011071.
Inborn genetic diseases. Identifiers: MedGen C0950123, MeSH D030342.
Acute myeloid leukemia (AML). Also called: Acute myeloid leukemia, adult; AML adult; Acute non-lymphocytic leukemia; Acute granulocytic leukemia; Leukemia, acute myeloid, somatic; Leukemia, acute myelogenous, somatic. Identifiers: Orphanet 519, MedGen C0023467, MeSH D015470, MONDO:0018874, OMIM 601626, HP:0004808. Disease mechanism: Constitutively activated FLT3.

Submissions (3):

ClinGen Myeloid Malignancy Variant Curation Expert Panel
Classification: Uncertain significance for Hereditary thrombocytopenia and hematologic cancer predisposition syndrome. Last evaluated: 2025-01-15. Review status: reviewed by expert panel. Criteria: ClinGen MyeloMalig ACMG Specifications v2. Collection method: curation. Allele origin: germline. Inheritance: Autosomal dominant inheritance.
Comment: NM_001754.5(RUNX1):c.1237T>G (p.Ser413Ala) is a missense variant which is completely absent from all population databases with at least 20x coverage for RUNX1 (PM2_Supporting). This missense variant has a REVEL score < 0.50 (0.27) and a SpliceAI score ≤ 0.20 (0) (BP4). In summary, this variant meets criteria to be classified as VUS. ACMG/AMP criteria applied, as specified by the Myeloid Malignancy Variant Curation Expert Panel for RUNX1: PM2_Supporting, BP4

Ambry Genetics
Classification: Uncertain significance for Inborn genetic diseases. Last evaluated: 2025-04-11. Review status: criteria provided, single submitter. Criteria: Ambry Variant Classification Scheme 2023. Collection method: clinical testing. Allele origin: germline. Not counted in ClinVar's aggregate classification.
Comment: The p.S413A variant (also known as c.1237T>G), located in coding exon 8 of the RUNX1 gene, results from a T to G substitution at nucleotide position 1237. The serine at codon 413 is replaced by alanine, an amino acid with similar properties. This amino acid position is conserved. In addition, this alteration is predicted to be tolerated by in silico analysis. Based on the available evidence, the clinical significance of this variant remains unclear.

Baylor Genetics
Classification: Uncertain significance for Acute myeloid leukemia. Last evaluated: 2023-12-01. Review status: criteria provided, single submitter. Criteria: ACMG Guidelines, 2015. Collection method: clinical testing. Allele origin: unknown. Not counted in ClinVar's aggregate classification.

NM_001754.5(RUNX1):c.1237T>G (p.Ser413Ala)

Gene: RUNX1 (RUNX family transcription factor 1; minus strand). Cytogenetic location: 21q22.12.
Variant type: single nucleotide variant.
Coding change: c.1237T>G on transcript NM_001754.5 (MANE Select); coding-DNA position 1237, T replaced by G.
Protein change: p.Ser413Ala; replaces serine 413 with alanine.
Molecular consequence: missense variant.
Genome position (GRCh38, 1-based): chr21:34,792,341, A>C on the plus strand (T>G on the coding strand, the complement: RUNX1 is on the minus strand). VCF-style: chr21-34792341-A-C. GRCh37 (hg19) VCF-style: chr21-36164638-A-C.
Other names: NM_001754.5(RUNX1):c.1237T>G; p.Ser413Ala; c.1156T>G, p.Ser386Ala (NM_001001890.3); short protein forms S386A, S413A.
Identifiers: ClinVar variation 3240388 (VCV003240388.3), dbSNP rs2145874884.